The following is an entry in ClinVar:

ClinVar aggregate classification (germline): Uncertain significance (1 of 4 stars; one submission).

Conditions:
Nemaline myopathy 2 (NEM2). Also called: Nemaline myopathy 2, autosomal recessive. Identifiers: MedGen C1850569, MONDO:0009725, OMIM 256030.

Submission:

Labcorp Genetics (formerly Invitae), Labcorp
Classification: Uncertain significance for Nemaline myopathy 2. Last evaluated: 2021-08-26. Review status: criteria provided, single submitter. Criteria: Invitae Variant Classification Sherloc (09022015). Collection method: clinical testing. Allele origin: germline.
Comment: This sequence change replaces tryptophan with glycine at codon 5751 of the NEB protein (p.Trp5751Gly). The tryptophan residue is moderately conserved and there is a large physicochemical difference between tryptophan and glycine. This variant is not present in population databases (ExAC no frequency). This variant has not been reported in the literature in individuals affected with NEB-related conditions. Algorithms developed to predict the effect of missense changes on protein structure and function are either unavailable or do not agree on the potential impact of this missense change (SIFT: "Deleterious"; PolyPhen-2: "Not Available"; Align-GVGD: "Class C0"). In summary, the available evidence is currently insufficient to determine the role of this variant in disease. Therefore, it has been classified as a Variant of Uncertain Significance.

NM_001164508.2(NEB):c.17251T>G (p.Trp5751Gly)

Gene: NEB (nebulin; minus strand). Cytogenetic location: 2q23.3.
Variant type: single nucleotide variant.
Coding change: c.17251T>G on transcript NM_001164508.2 (MANE Select); coding-DNA position 17251, T replaced by G.
Protein change: p.Trp5751Gly; replaces tryptophan 5751 with glycine.
Molecular consequence: missense variant.
Genome position (GRCh38, 1-based): chr2:151,570,260, A>C on the plus strand (T>G on the coding strand, the complement: NEB is on the minus strand). VCF-style: chr2-151570260-A-C. GRCh37 (hg19) VCF-style: chr2-152426774-A-C.
Other names: c.17251T>G, p.Trp5751Gly (NM_001164507.2, NM_001271208.2); c.12148T>G, p.Trp4050Gly (NM_004543.5); short protein forms W4050G, W5751G.
Identifiers: ClinVar variation 1035370 (VCV001035370.6), dbSNP rs2096578090, ClinGen allele CA348808067.